The following is an entry in ClinVar:

NM_001018115.3(FANCD2):c.4090del (p.Leu1364fs)

Genes: FANCD2 (FA complementation group D2; plus strand), FANCD2OS (FANCD2 opposite strand; minus strand). Cytogenetic location: 3p25.3.
Variant type: Deletion.
Coding change: c.4090del on transcript NM_001018115.3 (MANE Select); coding-DNA position 4090, one base deleted (C; older notation c.4090delC).
Protein change: p.Leu1364fs; shifts the reading frame from leucine 1364.
Molecular consequence: frameshift variant. On other transcripts: intron variant (1).
Genome position (GRCh38, 1-based): chr3:10,096,377, C deleted; the last of 3 consecutive C bases (chr3:10,096,375-10,096,377); deleting any one gives the same sequence. VCF-style (leftmost placement, unchanged base first): chr3-10096374-AC-A. GRCh37 (hg19) VCF-style: chr3-10138058-AC-A.
Other names: c.4090del, p.Leu1364fs (NM_001319984.2, NM_033084.6); c.3979del, p.Leu1327fs (NM_001374253.1); c.4051del, p.Leu1351fs (NM_001374254.1); c.*43+7823del (NM_173472.2); short protein forms L1327fs, L1351fs, L1364fs.
Identifiers: ClinVar variation 2675490 (VCV002675490.4), dbSNP rs2470086249, ClinGen allele CA2695197741.

ClinVar aggregate classification (germline): Pathogenic/Likely pathogenic. Review status: criteria provided, multiple submitters, no conflicts (2 of 4 stars). 2 submissions from 2 submitters: Pathogenic (1); Likely pathogenic (1). Last evaluated 2023-10-22.

Conditions:
Fanconi anemia (FA). Also called: Fanconi's anemia. Identifiers: Orphanet 84, MedGen C0015625, MeSH D005199, MONDO:0019391.
Fanconi anemia complementation group D2. Also called: FANCD2-Related Fanconi Anemia; FANCONI PANCYTOPENIA, TYPE 4; FANCONI ANEMIA, COMPLEMENTATION GROUP D. Identifiers: Orphanet 84, MedGen C3160738, MONDO:0009214, OMIM 227646.

Submissions (2):

Labcorp Genetics (formerly Invitae), Labcorp
Classification: Pathogenic for Fanconi anemia. Last evaluated: 2023-10-22. Review status: criteria provided, single submitter. Criteria: Invitae Variant Classification Sherloc (09022015). Collection method: clinical testing. Allele origin: germline.
Comment: This sequence change creates a premature translational stop signal (p.Leu1364Trpfs*4) in the FANCD2 gene. It is expected to result in an absent or disrupted protein product. Loss-of-function variants in FANCD2 are known to be pathogenic (PMID: 17436244). This variant is not present in population databases (gnomAD no frequency). This variant has not been reported in the literature in individuals affected with FANCD2-related conditions. For these reasons, this variant has been classified as Pathogenic.

Baylor Genetics
Classification: Likely pathogenic for Fanconi anemia complementation group D2. Last evaluated: 2023-09-26. Review status: criteria provided, single submitter. Criteria: ACMG Guidelines, 2015. Collection method: clinical testing. Allele origin: unknown.

Literature cited by the submitters: PubMed 17436244 (cited by Labcorp Genetics (formerly Invitae), Labcorp).